The following is an entry in ClinVar:

ClinVar aggregate classification (germline): Uncertain significance (1 of 4 stars; one submission).

Submission:

Labcorp Genetics (formerly Invitae), Labcorp
Classification: Uncertain significance. Last evaluated: 2025-11-10. Review status: criteria provided, single submitter. Criteria: Invitae Variant Classification Sherloc (09022015). Collection method: clinical testing. Allele origin: germline.
Comment: This sequence change replaces glutamic acid, which is acidic and polar, with lysine, which is basic and polar, at codon 70 of the COL2A1 protein (p.Glu70Lys). This variant is not present in population databases (gnomAD no frequency). This variant has not been reported in the literature in individuals affected with COL2A1-related conditions. Invitae Evidence Modeling of protein sequence and biophysical properties (such as structural, functional, and spatial information, amino acid conservation, physicochemical variation, residue mobility, and thermodynamic stability) indicates that this missense variant is not expected to disrupt COL2A1 protein function with a negative predictive value of 95%. In summary, the available evidence is currently insufficient to determine the role of this variant in disease. Therefore, it has been classified as a Variant of Uncertain Significance.

NM_001844.5(COL2A1):c.208G>A (p.Glu70Lys)

Gene: COL2A1 (collagen type II alpha 1 chain; minus strand). Cytogenetic location: 12q13.11.
Variant type: single nucleotide variant.
Coding change: c.208G>A on transcript NM_001844.5 (MANE Select); coding-DNA position 208, G replaced by A.
Protein change: p.Glu70Lys; replaces glutamic acid 70 with lysine.
Molecular consequence: missense variant. On other transcripts: intron variant (1).
Genome position (GRCh38, 1-based): chr12:48,000,003, C>T on the plus strand (G>A on the coding strand, the complement: COL2A1 is on the minus strand). VCF-style: chr12-48000003-C-T. GRCh37 (hg19) VCF-style: chr12-48393786-C-T.
Other names: c.86-1572G>A (NM_033150.3); short protein forms E70K.
Identifiers: ClinVar variation 4801167 (VCV004801167.1).
Genomic context (GRCh38, chr12:48,000,003, plus strand): 5'-GGCAGATGGGGCAGCACTCTCCGAAGGGGATCTCAGGGCTGAGGCAGTCTTTCACGTCTT[C>T]ACAGATTATGTCGTCGCAGAGGACAGTCCCAGTGTCACAGACACAGATCCGGCAGGGCTC-3'
Protein context (NP_001835.3, residues 60-80): GTVLCDDIIC[Glu70Lys]DVKDCLSPEI